The following is an entry in ClinVar:

ClinVar aggregate classification (germline): Uncertain significance. Review status: criteria provided, multiple submitters, no conflicts (2 of 4 stars). 2 submissions from 2 submitters: Uncertain significance (2). Last evaluated 2024-10-07.

Conditions:
Immunodeficiency due to CD25 deficiency. Also called: IMMUNODEFICIENCY 41 WITH LYMPHOPROLIFERATION AND AUTOIMMUNITY; IL2RA DEFICIENCY; CD25 DEFICIENCY. Identifiers: Orphanet 169100, MedGen C1853392, MONDO:0011664, OMIM 606367.

Allele frequency attached by ClinVar (database versions not stated): TOPMed 0.00005.
gnomAD v4.1: 17 of 1,614,022 alleles (0.0011%); highest among the groups gnomAD compares: African/African-American, 0.0027%; no homozygotes.

Submissions (2):

Labcorp Genetics (formerly Invitae), Labcorp
Classification: Uncertain significance for Immunodeficiency due to CD25 deficiency. Last evaluated: 2024-10-07. Review status: criteria provided, single submitter. Criteria: Invitae Variant Classification Sherloc (09022015). Collection method: clinical testing. Allele origin: germline.
Comment: This sequence change replaces arginine, which is basic and polar, with cysteine, which is neutral and slightly polar, at codon 206 of the IL2RA protein (p.Arg206Cys). This variant is not present in population databases (gnomAD no frequency). This variant has not been reported in the literature in individuals affected with IL2RA-related conditions. ClinVar contains an entry for this variant (Variation ID: 840752). Invitae Evidence Modeling of protein sequence and biophysical properties (such as structural, functional, and spatial information, amino acid conservation, physicochemical variation, residue mobility, and thermodynamic stability) indicates that this missense variant is not expected to disrupt IL2RA protein function with a negative predictive value of 80%. In summary, the available evidence is currently insufficient to determine the role of this variant in disease. Therefore, it has been classified as a Variant of Uncertain Significance.

Ambry Genetics
Classification: Uncertain significance. Last evaluated: 2024-06-19. Review status: criteria provided, single submitter. Criteria: Ambry Variant Classification Scheme 2023. Collection method: clinical testing. Allele origin: germline.

NM_000417.3(IL2RA):c.616C>T (p.Arg206Cys)

Gene: IL2RA (interleukin 2 receptor subunit alpha; minus strand). Cytogenetic location: 10p15.1.
Variant type: single nucleotide variant.
Coding change: c.616C>T on transcript NM_000417.3 (MANE Select); coding-DNA position 616, C replaced by T.
Protein change: p.Arg206Cys; replaces arginine 206 with cysteine.
Molecular consequence: missense variant. On other transcripts: intron variant (1).
Genome position (GRCh38, 1-based): chr10:6,019,909, G>A on the plus strand (C>T on the coding strand, the complement: IL2RA is on the minus strand). VCF-style: chr10-6019909-G-A. GRCh37 (hg19) VCF-style: chr10-6061872-G-A.
Other names: c.400C>T, p.Arg134Cys (NM_001308242.2); c.368-410C>T (NM_001308243.2); short protein forms R134C, R206C.
Identifiers: ClinVar variation 840752 (VCV000840752.8), dbSNP rs1438968487, ClinGen allele CA375925548.
Genomic context (GRCh38, chr10:6,019,909, plus strand): 5'-AGCGTTTGTCTTCTCCCGCACCTGTTGTTGTGACGAGGCAGGAAGTCTCACTCTCAGGAC[G>A]GCCTTCGGGGCTTGCCTGAGGCTTCTCTTCACCTGGGGGAGAGAGTAAGTGATGCTGGTG-3'
Protein context (NP_000408.1, residues 196-216): EEKPQASPEG[Arg206Cys]PESETSCLVT